The following is an entry in ClinVar:

ClinVar aggregate classification (germline): Conflicting classifications of pathogenicity. Review status: criteria provided, conflicting classifications (1 of 4 stars). 12 submissions from 12 submitters: Uncertain significance (1); Benign (5); Likely benign (3). 3 of the submissions do not count toward it. Last evaluated 2026-08-01.

Conditions:
P3H1-related disorder. Also called: P3H1-related condition.
Osteogenesis imperfecta (OI). Identifiers: Orphanet 666, MedGen C0029434, MeSH D010013, MONDO:0019019.
Osteogenesis imperfecta type 8 (OI8). Identifiers: MedGen C1970458, MONDO:0012581, OMIM 610915.

Allele frequency attached by ClinVar (database versions not stated): 1000 Genomes Project 30x 0.00109; 1000 Genomes Project 0.00120; TOPMed 0.00238; ExAC 0.00256; gnomAD exomes 0.00258 and 0.00373; ESP Exome Variant Server 0.00315; gnomAD 0.00334 and 0.00341.
gnomAD v4.1: 5,938 of 1,614,182 alleles (0.37%); highest among the groups gnomAD compares: Non-Finnish European, 0.44%; 15 homozygotes.

Submissions 1 to 31 of 48:

CeGaT Center for Human Genetics Tuebingen
Classification: Likely benign. Last evaluated: 2026-08-01. Review status: criteria provided, single submitter. Criteria: CeGaT Center For Human Genetics Tuebingen Variant Classification Criteria Version 2. Collection method: clinical testing. Allele origin: germline. Affected: yes. Observed: 4 variant alleles.
Comment: P3H1: BP4, BS2

Labcorp Genetics (formerly Invitae), Labcorp
Classification: Benign for Osteogenesis imperfecta type 8. Last evaluated: 2026-02-01. Review status: criteria provided, single submitter. Criteria: Invitae Variant Classification Sherloc (09022015). Collection method: clinical testing. Allele origin: germline.

Mayo Clinic Laboratories, Mayo Clinic
Classification: Benign. Last evaluated: 2025-10-27. Review status: criteria provided, single submitter. Criteria: ACMG Guidelines, 2015. Collection method: clinical testing. Allele origin: germline. Observed: 1 variant allele.
Comment: BS1, BS2

Blueprint Genetics
Classification: Likely benign. Last evaluated: 2024-11-22. Review status: criteria provided, single submitter. Criteria: ACMG Guidelines, 2015. Collection method: clinical testing. Allele origin: germline.

ARUP Laboratories, Molecular Genetics and Genomics, ARUP Laboratories
Classification: Benign for Osteogenesis imperfecta type 8. Last evaluated: 2022-03-17. Review status: criteria provided, single submitter. Criteria: ARUP Molecular Germline Variant Investigation Process 2021. Collection method: clinical testing. Allele origin: germline.

Genome Diagnostics Laboratory, The Hospital for Sick Children
Classification: Likely benign for Osteogenesis imperfecta. Last evaluated: 2021-10-13. Review status: criteria provided, single submitter. Criteria: ACMG Guidelines, 2015. Collection method: clinical testing. Allele origin: germline.

GeneDx
Classification: Benign. Last evaluated: 2019-03-25. Review status: criteria provided, single submitter. Criteria: GeneDx Variant Classification Process June 2021. Collection method: clinical testing. Allele origin: germline. Affected: yes.

Illumina Laboratory Services, Illumina
Classification: Uncertain significance for Osteogenesis imperfecta type 8. Last evaluated: 2018-01-13. Review status: criteria provided, single submitter. Criteria: ICSL Variant Classification Criteria 13 December 2019. Collection method: clinical testing. Allele origin: germline.

Eurofins Ntd Llc (ga)
Classification: Benign. Last evaluated: 2015-10-12. Review status: criteria provided, single submitter. Criteria: EGL Classification Definitions 2015. Collection method: clinical testing. Allele origin: germline. Observed: 1 variant allele, 1 heterozygote.

PreventionGenetics, part of Exact Sciences
Classification: Likely benign for P3H1-related condition. Last evaluated: 2019-09-19. Review status: no assertion criteria provided. Collection method: clinical testing. Allele origin: germline. Not counted in ClinVar's aggregate classification.
Comment: This variant is classified as likely benign based on ACMG/AMP sequence variant interpretation guidelines (Richards et al. 2015 PMID: 25741868, with internal and published modifications).

Dr. Peter K. Rogan Lab, Western University
No classification provided (evidence only). Condition: Malignant tumor of urinary bladder. Review status: no classification provided. Collection method: in vitro. Allele origin: not applicable. Functional consequence: retained intron. Not counted in ClinVar's aggregate classification.

Dr. Peter K. Rogan Lab, Western University
No classification provided (evidence only). Condition: Malignant tumor of urinary bladder. Review status: no classification provided. Collection method: in vitro. Allele origin: not applicable. Functional consequence: retained intron. Not counted in ClinVar's aggregate classification.

Dr. Peter K. Rogan Lab, Western University
No classification provided (evidence only). Condition: Malignant tumor of urinary bladder. Review status: no classification provided. Collection method: in vitro. Allele origin: not applicable. Functional consequence: retained intron. Not counted in ClinVar's aggregate classification.

Dr. Peter K. Rogan Lab, Western University
No classification provided (evidence only). Condition: Clear cell carcinoma of kidney. Review status: no classification provided. Collection method: in vitro. Allele origin: not applicable. Functional consequence: retained intron. Not counted in ClinVar's aggregate classification.

Dr. Peter K. Rogan Lab, Western University
No classification provided (evidence only). Condition: Clear cell carcinoma of kidney. Review status: no classification provided. Collection method: in vitro. Allele origin: not applicable. Functional consequence: retained intron. Not counted in ClinVar's aggregate classification.

Dr. Peter K. Rogan Lab, Western University
No classification provided (evidence only). Condition: Lung cancer. Review status: no classification provided. Collection method: in vitro. Allele origin: not applicable. Functional consequence: retained intron. Not counted in ClinVar's aggregate classification.

Dr. Peter K. Rogan Lab, Western University
No classification provided (evidence only). Condition: Lung cancer. Review status: no classification provided. Collection method: in vitro. Allele origin: not applicable. Functional consequence: retained intron. Not counted in ClinVar's aggregate classification.

Dr. Peter K. Rogan Lab, Western University
No classification provided (evidence only). Condition: Lung cancer. Review status: no classification provided. Collection method: in vitro. Allele origin: not applicable. Functional consequence: retained intron. Not counted in ClinVar's aggregate classification.

Dr. Peter K. Rogan Lab, Western University
No classification provided (evidence only). Condition: Lung cancer. Review status: no classification provided. Collection method: in vitro. Allele origin: not applicable. Functional consequence: retained intron. Not counted in ClinVar's aggregate classification.

Dr. Peter K. Rogan Lab, Western University
No classification provided (evidence only). Condition: Lung cancer. Review status: no classification provided. Collection method: in vitro. Allele origin: not applicable. Functional consequence: retained intron. Not counted in ClinVar's aggregate classification.

Dr. Peter K. Rogan Lab, Western University
No classification provided (evidence only). Condition: Melanoma. Review status: no classification provided. Collection method: in vitro. Allele origin: not applicable. Functional consequence: retained intron. Not counted in ClinVar's aggregate classification.

Dr. Peter K. Rogan Lab, Western University
No classification provided (evidence only). Condition: Melanoma. Review status: no classification provided. Collection method: in vitro. Allele origin: not applicable. Functional consequence: retained intron. Not counted in ClinVar's aggregate classification.

Dr. Peter K. Rogan Lab, Western University
No classification provided (evidence only). Condition: Melanoma. Review status: no classification provided. Collection method: in vitro. Allele origin: not applicable. Functional consequence: retained intron. Not counted in ClinVar's aggregate classification.

Dr. Peter K. Rogan Lab, Western University
No classification provided (evidence only). Condition: Melanoma. Review status: no classification provided. Collection method: in vitro. Allele origin: not applicable. Functional consequence: retained intron. Not counted in ClinVar's aggregate classification.

Dr. Peter K. Rogan Lab, Western University
No classification provided (evidence only). Condition: Melanoma. Review status: no classification provided. Collection method: in vitro. Allele origin: not applicable. Functional consequence: retained intron. Not counted in ClinVar's aggregate classification.

Dr. Peter K. Rogan Lab, Western University
No classification provided (evidence only). Condition: Familial cancer of breast. Review status: no classification provided. Collection method: in vitro. Allele origin: not applicable. Functional consequence: retained intron. Not counted in ClinVar's aggregate classification.

Dr. Peter K. Rogan Lab, Western University
No classification provided (evidence only). Condition: Familial cancer of breast. Review status: no classification provided. Collection method: in vitro. Allele origin: not applicable. Functional consequence: retained intron. Not counted in ClinVar's aggregate classification.

Dr. Peter K. Rogan Lab, Western University
No classification provided (evidence only). Condition: Familial cancer of breast. Review status: no classification provided. Collection method: in vitro. Allele origin: not applicable. Functional consequence: retained intron. Not counted in ClinVar's aggregate classification.

Dr. Peter K. Rogan Lab, Western University
No classification provided (evidence only). Condition: Familial cancer of breast. Review status: no classification provided. Collection method: in vitro. Allele origin: not applicable. Functional consequence: retained intron. Not counted in ClinVar's aggregate classification.

Dr. Peter K. Rogan Lab, Western University
No classification provided (evidence only). Condition: Familial cancer of breast. Review status: no classification provided. Collection method: in vitro. Allele origin: not applicable. Functional consequence: retained intron. Not counted in ClinVar's aggregate classification.

Dr. Peter K. Rogan Lab, Western University
No classification provided (evidence only). Condition: Familial cancer of breast. Review status: no classification provided. Collection method: in vitro. Allele origin: not applicable. Functional consequence: retained intron. Not counted in ClinVar's aggregate classification.

NM_022356.4(P3H1):c.1322A>G (p.Asp441Gly)

Gene: P3H1 (prolyl 3-hydroxylase 1; minus strand). Cytogenetic location: 1p34.2.
Variant type: single nucleotide variant.
Coding change: c.1322A>G on transcript NM_022356.4 (MANE Select); coding-DNA position 1322, A replaced by G.
Protein change: p.Asp441Gly; replaces aspartic acid 441 with glycine.
Molecular consequence: missense variant.
Genome position (GRCh38, 1-based): chr1:42,754,892, T>C on the plus strand (A>G on the coding strand, the complement: P3H1 is on the minus strand). VCF-style: chr1-42754892-T-C. GRCh37 (hg19) VCF-style: chr1-43220563-T-C.
Other names: p.Asp441Gly; c.1322A>G, p.Asp441Gly (NM_001146289.2, NM_001243246.2); short protein forms D441G.
Identifiers: ClinVar variation 283522 (VCV000283522.79), dbSNP rs113593896, ClinGen allele CA801884.
Genomic context (GRCh38, chr1:42,754,892, plus strand): 5'-ACAACAGCCAGACATGCCCCTATTTCTGTCCTCTCACCTTCCCGGGTCAGTCTGCTCACA[T>C]CCAGTGACTCCTTGGTCTTCTCTTCCACAAGGGTCTCGATTTCCTTCATAAGGTTCCCAA-3'
Protein context (NP_071751.3, residues 431-451): LVEEKTKESL[Asp441Gly]VSRLTREGGP